The following is an entry in ClinVar:

ClinVar aggregate classification (germline): Uncertain significance (1 of 4 stars; one submission).

Conditions:
Dilated cardiomyopathy 1II (CMD1II). Identifiers: Orphanet 154, MedGen C3554649, MONDO:0014073, OMIM 615184.

Allele frequency attached by ClinVar (database versions not stated): gnomAD exomes below 0.00001.
gnomAD v4.1: 2 of 1,614,008 alleles (0.00012%); highest among the groups gnomAD compares: Non-Finnish European, 0.00017%; no homozygotes.

Submission:

Labcorp Genetics (formerly Invitae), Labcorp
Classification: Uncertain significance for Dilated cardiomyopathy 1II. Last evaluated: 2022-07-18. Review status: criteria provided, single submitter. Criteria: Invitae Variant Classification Sherloc (09022015). Collection method: clinical testing. Allele origin: germline.
Comment: In summary, the available evidence is currently insufficient to determine the role of this variant in disease. Therefore, it has been classified as a Variant of Uncertain Significance. Algorithms developed to predict the effect of sequence changes on RNA splicing suggest that this variant may disrupt the consensus splice site. This variant has not been reported in the literature in individuals affected with CRYAB-related conditions. This variant is not present in population databases (gnomAD no frequency). This sequence change falls in intron 3 of the CRYAB gene. It does not directly change the encoded amino acid sequence of the CRYAB protein.

NM_001289808.2(CRYAB):c.325-5G>T

Gene: CRYAB (crystallin alpha B; minus strand). Cytogenetic location: 11q23.1.
Variant type: single nucleotide variant.
Coding change: c.325-5G>T on transcript NM_001289808.2 (MANE Select); 5 bases into the intron before coding-DNA position 325, G replaced by T.
Molecular consequence: intron variant.
Genome position (GRCh38, 1-based): chr11:111,908,972, C>A on the plus strand (G>T on the coding strand, the complement: CRYAB is on the minus strand). VCF-style: chr11-111908972-C-A. GRCh37 (hg19) VCF-style: chr11-111779696-C-A.
Other names: c.325-5G>T (NM_001368245.1, NM_001885.3, NM_001289807.1); c.124-5G>T (NM_001368246.1, NM_001330379.1).
Identifiers: ClinVar variation 2017350 (VCV002017350.4), dbSNP rs1555165262, ClinGen allele CA2562660114.